The following is an entry in ClinVar:

ClinVar aggregate classification (germline): Uncertain significance. Review status: criteria provided, multiple submitters, no conflicts (2 of 4 stars). 2 submissions from 2 submitters: Uncertain significance (2). Last evaluated 2025-01-25.

Conditions:
Hereditary cancer-predisposing syndrome. Also called: Neoplastic Syndromes, Hereditary; Hereditary Cancer Syndrome; Tumor predisposition; Hereditary neoplastic syndrome. Identifiers: Orphanet 140162, MedGen C0027672, MeSH D009386, MONDO:0015356.
EGFR-related lung cancer (EGFR). Identifiers: MedGen CN130014.

Allele frequency attached by ClinVar (database versions not stated): gnomAD exomes below 0.00001; ExAC 0.00001.
gnomAD v4.1: 1 of 1,614,204 alleles (0.000062%); highest among the groups gnomAD compares: Non-Finnish European, 0.000085%; no homozygotes.

Submissions (2):

Ambry Genetics
Classification: Uncertain significance for Hereditary cancer-predisposing syndrome. Last evaluated: 2025-01-25. Review status: criteria provided, single submitter. Criteria: Ambry Variant Classification Scheme 2023. Collection method: clinical testing. Allele origin: germline.
Comment: The p.Y285H variant (also known as c.853T>C), located in coding exon 7 of the EGFR gene, results from a T to C substitution at nucleotide position 853. The tyrosine at codon 285 is replaced by histidine, an amino acid with similar properties. This amino acid position is conserved. In addition, this alteration is predicted to be deleterious by in silico analysis. Based on the available evidence, the clinical significance of this variant remains unclear.

Labcorp Genetics (formerly Invitae), Labcorp
Classification: Uncertain significance for EGFR-related lung cancer. Last evaluated: 2023-08-31. Review status: criteria provided, single submitter. Criteria: Invitae Variant Classification Sherloc (09022015). Collection method: clinical testing. Allele origin: germline.
Comment: This sequence change replaces tyrosine, which is neutral and polar, with histidine, which is basic and polar, at codon 285 of the EGFR protein (p.Tyr285His). This variant is present in population databases (rs776146284, gnomAD 0.0009%). This variant has not been reported in the literature in individuals affected with EGFR-related conditions. ClinVar contains an entry for this variant (Variation ID: 1379515). Advanced modeling of protein sequence and biophysical properties (such as structural, functional, and spatial information, amino acid conservation, physicochemical variation, residue mobility, and thermodynamic stability) has been performed at Invitae for this missense variant, however the output from this modeling did not meet the statistical confidence thresholds required to predict the impact of this variant on EGFR protein function. In summary, the available evidence is currently insufficient to determine the role of this variant in disease. Therefore, it has been classified as a Variant of Uncertain Significance.

NM_005228.5(EGFR):c.853T>C (p.Tyr285His)

Gene: EGFR (epidermal growth factor receptor; plus strand). Cytogenetic location: 7p11.2.
Variant type: single nucleotide variant.
Coding change: c.853T>C on transcript NM_005228.5 (MANE Select); coding-DNA position 853, T replaced by C.
Protein change: p.Tyr285His; replaces tyrosine 285 with histidine.
Molecular consequence: missense variant. On other transcripts: intron variant (1).
Genome position (GRCh38, 1-based): chr7:55,154,116, T>C. VCF-style: chr7-55154116-T-C. GRCh37 (hg19) VCF-style: chr7-55221809-T-C.
Other names: c.853T>C (NM_005228.3); c.718T>C, p.Tyr240His (NM_001346897.2, NM_001346899.2); c.853T>C, p.Tyr285His (NM_001346898.2, NM_201282.2, NM_201283.2 and 1 more transcripts); c.694T>C, p.Tyr232His (NM_001346900.2); c.89-1714T>C (NM_001346941.2); short protein forms Y240H, Y232H, Y285H.
Identifiers: ClinVar variation 1379515 (VCV001379515.7), dbSNP rs776146284, ClinGen allele CA4265374.